The following is an entry in ClinVar:

NM_000059.4(BRCA2):c.2391G>A (p.Lys797=)

Gene: BRCA2 (BRCA2 DNA repair associated; plus strand). Cytogenetic location: 13q13.1.
Variant type: single nucleotide variant.
Coding change: c.2391G>A on transcript NM_000059.4 (MANE Select); coding-DNA position 2391, G replaced by A.
Protein change: p.Lys797=; no amino-acid change (lysine 797 retained).
Molecular consequence: synonymous variant.
Genome position (GRCh38, 1-based): chr13:32,336,746, G>A. VCF-style: chr13-32336746-G-A. GRCh37 (hg19) VCF-style: chr13-32910883-G-A.
Other names: K797K; 2619G>A.
Identifiers: ClinVar variation 156166 (VCV000156166.26), dbSNP rs587776462, ClinGen allele CA015111.

ClinVar aggregate classification (germline): Likely benign. Review status: reviewed by expert panel (3 of 4 stars). 9 submissions from 9 submitters: Likely benign (1). 8 of the submissions do not count toward it. Last evaluated 2017-06-29.

Conditions:
BRCA2-related disorder. Also called: BRCA2-related condition; BRCA2-related disorders. Identifiers: MedGen CN239275.
Hereditary cancer-predisposing syndrome. Also called: Tumor predisposition; Neoplastic Syndromes, Hereditary; Hereditary neoplastic syndrome; Hereditary Cancer Syndrome. Identifiers: Orphanet 140162, MedGen C0027672, MeSH D009386, MONDO:0015356.
Hereditary breast ovarian cancer syndrome. Also called: Hereditary breast and ovarian cancer; Hereditary breast and ovarian cancer syndrome (HBOC); Hereditary breast and ovarian cancer syndrome; BRCA1- and BRCA2-Associated Hereditary Breast and Ovarian Cancer; Breast and ovarian cancer; Hereditary breast and/or ovarian cancer syndrome. Identifiers: Orphanet 145, MedGen C0677776, MeSH D061325, MONDO:0003582. Disease mechanism: loss of function.
Breast-ovarian cancer, familial, susceptibility to, 2 (BROVCA2). Also called: BRCA2 Hereditary Breast and Ovarian Cancer. Identifiers: Orphanet 145, MedGen C2675520, MONDO:0012933, OMIM 612555. Disease mechanism: loss of function.

Allele frequency attached by ClinVar (database versions not stated): gnomAD exomes 0.00003; TOPMed 0.00001; gnomAD 0.00002.
gnomAD v4.1: 40 of 1,613,540 alleles (0.0025%); highest among the groups gnomAD compares: Non-Finnish European, 0.0033%; no homozygotes.

Submissions (9):

Evidence-based Network for the Interpretation of Germline Mutant Alleles (ENIGMA)
Classification: Likely benign for Breast-ovarian cancer, familial, susceptibility to, 2. Last evaluated: 2017-06-29. Review status: reviewed by expert panel. Criteria: ENIGMA BRCA1/2 Classification Criteria (2017-06-29). Collection method: curation. Allele origin: germline.
Comment: Synonymous substitution variant, with low bioinformatic likelihood to result in a splicing aberration (Splicing prior probability 0.02).

Labcorp Genetics (formerly Invitae), Labcorp
Classification: Likely benign for Hereditary breast ovarian cancer syndrome. Last evaluated: 2025-10-27. Review status: criteria provided, single submitter. Criteria: Invitae Variant Classification Sherloc (09022015). Collection method: clinical testing. Allele origin: germline. Not counted in ClinVar's aggregate classification.

Quest Diagnostics Nichols Institute San Juan Capistrano
Classification: Likely benign. Last evaluated: 2019-06-28. Review status: criteria provided, single submitter. Criteria: Quest Diagnostics criteria. Collection method: clinical testing. Allele origin: germline. Not counted in ClinVar's aggregate classification.

Women's Health and Genetics/Laboratory Corporation of America, LabCorp
Classification: Likely benign. Last evaluated: 2019-06-14. Review status: criteria provided, single submitter. Criteria: LabCorp Variant Classification Summary - May 2015. Collection method: clinical testing. Allele origin: germline. Not counted in ClinVar's aggregate classification.
Comment: Variant summary: BRCA2 c.2391G>A alters a non-conserved nucleotide resulting in a synonymous change. 5/5 computational tools predict no significant impact on normal splicing. However, these predictions have yet to be confirmed by functional studies. The variant allele was found at a frequency of 1.6e-05 in 250296 control chromosomes (gnomAD). The available data on variant occurrences in the general population are insufficient to allow any conclusion about variant significance. c.2391G>A has been reported in the literature in a validation study with limited available information (Hondow_2011). To our knowledge, no experimental evidence demonstrating an impact on protein function has been reported. Four ClinVar submissions from clinical diagnostic laboratories and an expert panel (ENIGMA)(evaluation after 2014) cite the variant as likely benign. Based on the evidence outlined above, the variant was classified as likely benign.

Color Diagnostics, LLC DBA Color Health
Classification: Likely benign for Hereditary cancer-predisposing syndrome. Last evaluated: 2018-09-27. Review status: criteria provided, single submitter. Criteria: ACMG Guidelines, 2015. Collection method: clinical testing. Allele origin: germline. Not counted in ClinVar's aggregate classification.

Ambry Genetics
Classification: Likely benign for Hereditary cancer-predisposing syndrome. Last evaluated: 2015-07-27. Review status: criteria provided, single submitter. Criteria: Ambry Variant Classification Scheme 2023. Collection method: clinical testing. Allele origin: germline. Not counted in ClinVar's aggregate classification.

GeneDx
Classification: Benign. Last evaluated: 2015-03-03. Review status: criteria provided, single submitter. Criteria: GeneDx Variant Classification Process June 2021. Collection method: clinical testing. Allele origin: germline. Affected: yes. Not counted in ClinVar's aggregate classification.

PreventionGenetics, part of Exact Sciences
Classification: Likely benign for BRCA2-related condition. Last evaluated: 2022-03-18. Review status: no assertion criteria provided. Collection method: clinical testing. Allele origin: germline. Not counted in ClinVar's aggregate classification.
Comment: This variant is classified as likely benign based on ACMG/AMP sequence variant interpretation guidelines (Richards et al. 2015 PMID: 25741868, with internal and published modifications).

Sharing Clinical Reports Project (SCRP)
Classification: Benign for Breast-ovarian cancer, familial 2. Last evaluated: 2011-03-17. Review status: no assertion criteria provided. Collection method: clinical testing. Allele origin: germline. Not counted in ClinVar's aggregate classification.

Literature cited by the submitters: PubMed 21702907 (cited by Women's Health and Genetics/Laboratory Corporation of America, LabCorp).